The following is an entry in ClinVar:

ClinVar aggregate classification (germline): Likely benign (1 of 4 stars; one submission).

Allele frequency attached by ClinVar (database versions not stated): TOPMed below 0.00001; gnomAD exomes 0.00001.
gnomAD v4.1: 1 of 347,894 alleles (0.00029%); highest among the groups gnomAD compares: Admixed American, 0.0038%; no homozygotes.

Submission:

GeneDx
Classification: Likely benign. Last evaluated: 2016-12-27. Review status: criteria provided, single submitter. Criteria: GeneDx Variant Classification (06012015). Collection method: clinical testing. Allele origin: germline. Affected: yes.
Comment: This variant is considered likely benign or benign based on one or more of the following criteria: it is a conservative change, it occurs at a poorly conserved position in the protein, it is predicted to be benign by multiple in silico algorithms, and/or has population frequency not consistent with disease.

NM_001040151.2(SCN3B):c.*23-15T>A

Gene: SCN3B (sodium voltage-gated channel beta subunit 3; minus strand). Cytogenetic location: 11q24.1.
Variant type: single nucleotide variant.
Coding change: c.*23-15T>A on transcript NM_001040151.2 (MANE Select); 15 bases into the intron before 23 bases downstream of the stop codon, T replaced by A.
Molecular consequence: intron variant.
Genome position (GRCh38, 1-based): chr11:123,633,791, A>T on the plus strand (T>A on the coding strand, the complement: SCN3B is on the minus strand). VCF-style: chr11-123633791-A-T. GRCh37 (hg19) VCF-style: chr11-123504499-A-T.
Other names: c.*23-15T>A (NM_018400.4).
Identifiers: ClinVar variation 392040 (VCV000392040.1), dbSNP rs1057524334, ClinGen allele CA16606180.
Genomic context (GRCh38, chr11:123,633,791, plus strand): 5'-ACATTGCTGAACATGGGATGTCCAGTCCCTCAGGTGTTCAGGCCACCTACCAAAGATAAA[A>T]TAACTCACTGAGAATTTCCCACCCAGTCCAGCCCAGCCCAGCCCAAAAATTCTTTGACCA-3'